The following is an entry in ClinVar:

ClinVar aggregate classification (germline): Uncertain significance (1 of 4 stars; one submission).

Submission:

Labcorp Genetics (formerly Invitae), Labcorp
Classification: Uncertain significance. Last evaluated: 2024-01-31. Review status: criteria provided, single submitter. Criteria: Invitae Variant Classification Sherloc (09022015). Collection method: clinical testing. Allele origin: germline.
Comment: This sequence change replaces serine, which is neutral and polar, with asparagine, which is neutral and polar, at codon 147 of the GATA5 protein (p.Ser147Asn). This variant is not present in population databases (gnomAD no frequency). This variant has not been reported in the literature in individuals affected with GATA5-related conditions. Advanced modeling of protein sequence and biophysical properties (such as structural, functional, and spatial information, amino acid conservation, physicochemical variation, residue mobility, and thermodynamic stability) performed at Invitae indicates that this missense variant is not expected to disrupt GATA5 protein function with a negative predictive value of 80%. In summary, the available evidence is currently insufficient to determine the role of this variant in disease. Therefore, it has been classified as a Variant of Uncertain Significance.

NM_080473.5(GATA5):c.440G>A (p.Ser147Asn)

Gene: GATA5 (GATA binding protein 5; minus strand). Cytogenetic location: 20q13.33.
Variant type: single nucleotide variant.
Coding change: c.440G>A on transcript NM_080473.5 (MANE Select); coding-DNA position 440, G replaced by A.
Protein change: p.Ser147Asn; replaces serine 147 with asparagine.
Molecular consequence: missense variant.
Genome position (GRCh38, 1-based): chr20:62,475,082, C>T on the plus strand (G>A on the coding strand, the complement: GATA5 is on the minus strand). VCF-style: chr20-62475082-C-T. GRCh37 (hg19) VCF-style: chr20-61050138-C-T.
Other names: short protein forms S147N.
Identifiers: ClinVar variation 2700241 (VCV002700241.3), dbSNP rs2516446608, ClinGen allele CA409556365.